The following is an entry in ClinVar:

NM_198076.6(COX20):c.7G>T (p.Ala3Ser)

Gene: COX20 (cytochrome c oxidase assembly factor COX20; plus strand). Cytogenetic location: 1q44.
Variant type: single nucleotide variant.
Coding change: c.7G>T on transcript NM_198076.6 (MANE Select); coding-DNA position 7, G replaced by T.
Protein change: p.Ala3Ser; replaces alanine 3 with serine.
Molecular consequence: missense variant. On other transcripts: non-coding transcript variant (3).
Genome position (GRCh38, 1-based): chr1:244,835,721, G>T. VCF-style: chr1-244835721-G-T. GRCh37 (hg19) VCF-style: chr1-244999023-G-T.
Other names: p.A3S:GCC>TCC; p.Ala3Ser; c.7G>T, p.Ala3Ser (NM_001312871.1, NM_001312872.1, NM_001312873.1 and 1 more transcripts); short protein forms A3S.
Identifiers: ClinVar variation 214269 (VCV000214269.19), dbSNP rs201152357, ClinGen allele CA320609.

ClinVar aggregate classification (germline): Benign/Likely benign. Review status: criteria provided, multiple submitters, no conflicts (2 of 4 stars). 6 submissions from 6 submitters: Benign (1); Likely benign (5). Last evaluated 2026-01-02.

Conditions:
Mitochondrial complex IV deficiency, nuclear type 11. Also called: Mitochondrial complex 4 deficiency, nuclear type 11. Identifiers: MedGen C5436694, MONDO:0033645, OMIM 619054.

Allele frequency attached by ClinVar (database versions not stated): TOPMed 0.00177; 1000 Genomes Project 0.00319; 1000 Genomes Project 30x 0.00359; ExAC 0.00785.

Submissions (6):

Labcorp Genetics (formerly Invitae), Labcorp
Classification: Likely benign. Last evaluated: 2026-01-02. Review status: criteria provided, single submitter. Criteria: Invitae Variant Classification Sherloc (09022015). Collection method: clinical testing. Allele origin: germline.

CeGaT Center for Human Genetics Tuebingen
Classification: Likely benign. Last evaluated: 2025-09-01. Review status: criteria provided, single submitter. Criteria: CeGaT Center For Human Genetics Tuebingen Variant Classification Criteria Version 2. Collection method: clinical testing. Allele origin: germline. Affected: yes. Observed: 1 variant allele.
Comment: COX20: BS2

Mayo Clinic Laboratories, Mayo Clinic
Classification: Likely benign. Last evaluated: 2025-03-24. Review status: criteria provided, single submitter. Criteria: ACMG Guidelines, 2015. Collection method: clinical testing. Allele origin: germline. Observed: 9 variant alleles.
Comment: BS1, BP4

Fulgent Genetics
Classification: Likely benign for Mitochondrial complex IV deficiency, nuclear type 11. Last evaluated: 2021-08-05. Review status: criteria provided, single submitter. Criteria: ACMG Guidelines, 2015. Collection method: clinical testing. Allele origin: unknown.

GeneDx
Classification: Benign. Last evaluated: 2014-08-04. Review status: criteria provided, single submitter. Criteria: GeneDx Variant Classification (06012015). Collection method: clinical testing. Allele origin: germline. Affected: yes.
Comment: This variant is considered likely benign or benign based on one or more of the following criteria: it is a conservative change, it occurs at a poorly conserved position in the protein, it is predicted to be benign by multiple in silico algorithms, and/or has population frequency not consistent with disease.

Breakthrough Genomics
Classification: Likely benign. Review status: criteria provided, single submitter. Criteria: ACMG Guidelines, 2015. Collection method: not provided. Allele origin: germline. Inheritance: Autosomal recessive inheritance. Affected: yes.

Literature cited by the submitters: PubMed 24403053 (cited by Mayo Clinic Laboratories, Mayo Clinic).